The following is an entry in ClinVar:

ClinVar aggregate classification (germline): Uncertain significance (1 of 4 stars; one submission).

Conditions:
Colorectal cancer, susceptibility to, 12 (CRCS12). Also called: COLORECTAL CANCER, SUSCEPTIBILITY TO, ON CHROMOSOME 12q24. Identifiers: Orphanet 220460, MedGen C3554460, MONDO:0014038, OMIM 615083.

Allele frequency attached by ClinVar (database versions not stated): gnomAD exomes below 0.00001.
gnomAD v4.1: 4 of 1,613,948 alleles (0.00025%); highest among the groups gnomAD compares: Non-Finnish European, 0.00034%; no homozygotes.

Submission:

Labcorp Genetics (formerly Invitae), Labcorp
Classification: Uncertain significance for Colorectal cancer, susceptibility to, 12. Last evaluated: 2021-08-31. Review status: criteria provided, single submitter. Criteria: Invitae Variant Classification Sherloc (09022015). Collection method: clinical testing. Allele origin: germline.
Comment: This sequence change replaces aspartic acid with glycine at codon 1129 of the POLE protein (p.Asp1129Gly). The aspartic acid residue is highly conserved and there is a moderate physicochemical difference between aspartic acid and glycine. This variant is not present in population databases (ExAC no frequency). This variant has not been reported in the literature in individuals affected with POLE-related conditions. Algorithms developed to predict the effect of missense changes on protein structure and function (SIFT, PolyPhen-2, Align-GVGD) all suggest that this variant is likely to be disruptive. In summary, the available evidence is currently insufficient to determine the role of this variant in disease. Therefore, it has been classified as a Variant of Uncertain Significance.

NM_006231.4(POLE):c.3386A>G (p.Asp1129Gly)

Gene: POLE (DNA polymerase epsilon, catalytic subunit; minus strand). Cytogenetic location: 12q24.33.
Variant type: single nucleotide variant.
Coding change: c.3386A>G on transcript NM_006231.4 (MANE Select); coding-DNA position 3386, A replaced by G.
Protein change: p.Asp1129Gly; replaces aspartic acid 1129 with glycine.
Molecular consequence: missense variant.
Genome position (GRCh38, 1-based): chr12:132,657,422, T>C on the plus strand (A>G on the coding strand, the complement: POLE is on the minus strand). VCF-style: chr12-132657422-T-C. GRCh37 (hg19) VCF-style: chr12-133234008-T-C.
Other names: short protein forms D1129G.
Identifiers: ClinVar variation 934060 (VCV000934060.7), dbSNP rs2042569982, ClinGen allele CA387389546.